The following is an entry in ClinVar:

ClinVar aggregate classification (germline): Uncertain significance (1 of 4 stars; one submission).

Submission:

Labcorp Genetics (formerly Invitae), Labcorp
Classification: Uncertain significance. Last evaluated: 2024-03-17. Review status: criteria provided, single submitter. Criteria: Invitae Variant Classification Sherloc (09022015). Collection method: clinical testing. Allele origin: germline.
Comment: This sequence change falls in intron 7 of the LZTR1 gene. It does not directly change the encoded amino acid sequence of the LZTR1 protein. This variant is not present in population databases (gnomAD no frequency). This variant has not been reported in the literature in individuals affected with LZTR1-related conditions. In summary, the available evidence is currently insufficient to determine the role of this variant in disease. Therefore, it has been classified as a Variant of Uncertain Significance.

NM_006767.4(LZTR1):c.651+30_651+31insGGAGGAGGTGAGGGGCATGGGGAGACAGGGTGCAGGTGGAGGAGGTGAGGGGCATGGGGAGACAGGGTGCAGGTGGAGGAGGTGAGGGGCGTGGGGAGCCAGGGCGCAGGT

Gene: LZTR1 (leucine zipper like post translational regulator 1; plus strand). Cytogenetic location: 22q11.21.
Variant type: Microsatellite.
Coding change: c.651+30_651+31insGGAGGAGGTGAGGGGCATGGGGAGACAGGGTGCAGGTGGAGGAGGTGAGGGGCATGGGGAGACAGGGTGCAGGTGGAGGAGGTGAGGGGCGTGGGGAGCCAGGGCGCAGGT on transcript NM_006767.4 (MANE Select); bases 30 to 31 of the intron after coding-DNA position 651, GGAGGAGGTGAGGGGCATGGGGAGACAGGGTGCAGGTGGAGGAGGTGAGGGGCATGGGGAGACAGGGTGCAGGTGGAGGAGGTGAGGGGCGTGGGGAGCCAGGGCGCAGGT inserted.
Molecular consequence: splice donor variant.
Genome position: GRCh38: chr22:20,989,676-20,989,712. GRCh37 (hg19), VCF-style position (the base before the change): chr22:21,343,964.
Identifiers: ClinVar variation 3646529 (VCV003646529.2).